The following is an entry in ClinVar:

ClinVar aggregate classification (germline): Uncertain significance. Review status: criteria provided, multiple submitters, no conflicts (2 of 4 stars). 2 submissions from 2 submitters: Uncertain significance (2). Last evaluated 2026-01-17.

Conditions:
Dilated cardiomyopathy 1O (CMD1O). Also called: CARDIOMYOPATHY, DILATED, WITH VENTRICULAR TACHYCARDIA. Identifiers: Orphanet 154, MedGen C1837839, MONDO:0012062, OMIM 608569.
Cardiovascular phenotype. Identifiers: MedGen CN230736.

Submissions (2):

Ambry Genetics
Classification: Uncertain significance for Cardiovascular phenotype. Last evaluated: 2026-01-17. Review status: criteria provided, single submitter. Criteria: Ambry Variant Classification Scheme 2023. Collection method: clinical testing. Allele origin: germline.
Comment: The p.I1471F variant (also known as c.4411A>T), located in coding exon 36 of the ABCC9 gene, results from an A to T substitution at nucleotide position 4411. The isoleucine at codon 1471 is replaced by phenylalanine, an amino acid with highly similar properties. This amino acid position is conserved. In addition, this alteration is predicted to be deleterious by in silico analysis. Based on the available evidence, the clinical significance of this variant remains unclear.

Labcorp Genetics (formerly Invitae), Labcorp
Classification: Uncertain significance for Dilated cardiomyopathy 1O. Last evaluated: 2021-04-30. Review status: criteria provided, single submitter. Criteria: Invitae Variant Classification Sherloc (09022015). Collection method: clinical testing. Allele origin: germline.
Comment: In summary, the available evidence is currently insufficient to determine the role of this variant in disease. Therefore, it has been classified as a Variant of Uncertain Significance. Algorithms developed to predict the effect of missense changes on protein structure and function are either unavailable or do not agree on the potential impact of this missense change (SIFT: "Deleterious"; PolyPhen-2: "Benign"; Align-GVGD: "Class C0"). This variant has not been reported in the literature in individuals with ABCC9-related conditions. This variant is not present in population databases (ExAC no frequency). This sequence change replaces isoleucine with phenylalanine at codon 1471 of the ABCC9 protein (p.Ile1471Phe). The isoleucine residue is moderately conserved and there is a small physicochemical difference between isoleucine and phenylalanine.

NM_020297.4(ABCC9):c.4411A>T (p.Ile1471Phe)

Genes: ABCC9 (ATP binding cassette subfamily C member 9; minus strand), KCNJ8-AS1 (KCNJ8 antisense RNA 1; plus strand). Cytogenetic location: 12p12.1.
Variant type: single nucleotide variant.
Coding change: c.4411A>T on transcript NM_020297.4 (MANE Select); coding-DNA position 4411, A replaced by T.
Protein change: p.Ile1471Phe; replaces isoleucine 1471 with phenylalanine.
Molecular consequence: missense variant.
Genome position (GRCh38, 1-based): chr12:21,807,384, T>A on the plus strand (A>T on the coding strand, the complement: ABCC9 is on the minus strand). VCF-style: chr12-21807384-T-A. GRCh37 (hg19) VCF-style: chr12-21960318-T-A.
Other names: c.4411A>T, p.Ile1471Phe (NM_001377273.1, NM_005691.4); c.3544A>T, p.Ile1182Phe (NM_001377274.1); c.4411A>T (NM_005691.2); short protein forms I1182F, I1471F.
Identifiers: ClinVar variation 1425086 (VCV001425086.9), dbSNP rs2137117938, ClinGen allele CA384131552.